The following is an entry in ClinVar:

NM_199420.4(POLQ):c.2247A>G (p.Gln749=)

Gene: POLQ (DNA polymerase theta; minus strand). Cytogenetic location: 3q13.33.
Variant type: single nucleotide variant.
Coding change: c.2247A>G on transcript NM_199420.4 (MANE Select); coding-DNA position 2247, A replaced by G.
Protein change: p.Gln749=; no amino-acid change (glutamine 749 retained).
Molecular consequence: synonymous variant.
Genome position (GRCh38, 1-based): chr3:121,496,839, T>C on the plus strand (A>G on the coding strand, the complement: POLQ is on the minus strand). VCF-style: chr3-121496839-T-C. GRCh37 (hg19) VCF-style: chr3-121215686-T-C.
Identifiers: ClinVar variation 1788354 (VCV001788354.4), dbSNP rs569194595, ClinGen allele CA2563319.

ClinVar aggregate classification (germline): Likely benign. Review status: criteria provided, single submitter (1 of 4 stars). 2 submissions from 2 submitters: Likely benign (1). 1 of the submissions does not count toward it. Last evaluated 2022-02-13.

Conditions:
POLQ-related disorder. Also called: POLQ-related condition.

Allele frequency attached by ClinVar (database versions not stated): TOPMed below 0.00001; gnomAD exomes 0.00004; gnomAD 0.00005; ExAC 0.00012; 1000 Genomes Project 30x 0.00031; 1000 Genomes Project 0.00040.
gnomAD v4.1: 75 of 1,613,772 alleles (0.0046%); highest among the groups gnomAD compares: South Asian, 0.059%; 1 homozygote.

Submissions (2):

Ambry Genetics
Classification: Likely benign. Last evaluated: 2022-02-13. Review status: criteria provided, single submitter. Criteria: Ambry Variant Classification Scheme 2023. Collection method: clinical testing. Allele origin: germline.

PreventionGenetics, part of Exact Sciences
Classification: Likely benign for POLQ-related condition. Last evaluated: 2019-06-05. Review status: no assertion criteria provided. Collection method: clinical testing. Allele origin: germline. Not counted in ClinVar's aggregate classification.
Comment: This variant is classified as likely benign based on ACMG/AMP sequence variant interpretation guidelines (Richards et al. 2015 PMID: 25741868, with internal and published modifications).